The following is an entry in ClinVar:

NM_001103.4(ACTN2):c.1538C>A (p.Thr513Asn)

Gene: ACTN2 (actinin alpha 2; plus strand). Cytogenetic location: 1q43.
Variant type: single nucleotide variant.
Coding change: c.1538C>A on transcript NM_001103.4 (MANE Select); coding-DNA position 1538, C replaced by A.
Protein change: p.Thr513Asn; replaces threonine 513 with asparagine.
Molecular consequence: missense variant.
Genome position (GRCh38, 1-based): chr1:236,749,146, C>A. VCF-style: chr1-236749146-C-A. GRCh37 (hg19) VCF-style: chr1-236912446-C-A.
Other names: c.1538C>A, p.Thr513Asn (NM_001278343.2); c.914C>A, p.Thr305Asn (NM_001278344.2); short protein forms T513N, T305N.
Identifiers: ClinVar variation 412270 (VCV000412270.42), dbSNP rs749178520, ClinGen allele CA1473189.

ClinVar aggregate classification (germline): Uncertain significance. Review status: criteria provided, multiple submitters, no conflicts (2 of 4 stars). 5 submissions from 5 submitters: Uncertain significance (5). Last evaluated 2026-08-12.

Conditions:
ACTN2-related disorder. Also called: ACTN2-related disorders; ACTN2 related condition.
Cardiovascular phenotype. Identifiers: MedGen CN230736.
Dilated cardiomyopathy 1AA (CMD1AA). Also called: Cardiomyopathy, dilated, 1AA, with or without LVNC; CARDIOMYOPATHY, DILATED, 1AA, WITH OR WITHOUT LEFT VENTRICULAR NONCOMPACTION; CARDIOMYOPATHY, FAMILIAL HYPERTROPHIC, 23, WITH OR WITHOUT LEFT VENTRICULAR NONCOMPACTION. Identifiers: Orphanet 154, MedGen C2677338, MONDO:0012808, OMIM 612158.
Primary familial hypertrophic cardiomyopathy (HCM). Identifiers: Orphanet 99739, MedGen C0949658, MeSH D024741, MONDO:0024573. Inheritance: Various modes of inheritance.

Allele frequency attached by ClinVar (database versions not stated): gnomAD 0.00001; gnomAD exomes 0.00001 and 0.00002; TOPMed 0.00001; ExAC 0.00002.
gnomAD v4.1: 26 of 1,613,980 alleles (0.0016%); highest among the groups gnomAD compares: Non-Finnish European, 0.0022%; no homozygotes.

Submissions (5):

PreventionGenetics, part of Exact Sciences
Classification: Uncertain significance for ACTN2-related condition. Last evaluated: 2026-08-12. Review status: criteria provided, single submitter. Criteria: ACMG Guidelines, 2015. Collection method: clinical testing. Allele origin: germline.
Comment: The ACTN2 c.1538C>A variant is predicted to result in the amino acid substitution p.Thr513Asn. This variant has been reported in the heterozygous state in an individual with Ebstein anomaly and left ventricular noncompaction; however, this individual also had a heterozygous variant in MYH7, which was proposed to be disease causing (Lee et al. 2026. PubMed ID: 42005012). This variant is reported in 0.0026% of alleles in individuals of European (Non-Finnish) descent in gnomAD. At this time, the clinical significance of this variant is uncertain due to the absence of conclusive functional and genetic evidence.

Labcorp Genetics (formerly Invitae), Labcorp
Classification: Uncertain significance for Primary familial hypertrophic cardiomyopathy; Dilated cardiomyopathy 1AA. Last evaluated: 2026-01-20. Review status: criteria provided, single submitter. Criteria: Invitae Variant Classification Sherloc (09022015). Collection method: clinical testing. Allele origin: germline.
Comment: This sequence change replaces threonine, which is neutral and polar, with asparagine, which is neutral and polar, at codon 513 of the ACTN2 protein (p.Thr513Asn). This variant is present in population databases (rs749178520, gnomAD 0.003%). This variant has not been reported in the literature in individuals affected with ACTN2-related conditions. ClinVar contains an entry for this variant (Variation ID: 412270). Invitae Evidence Modeling of protein sequence and biophysical properties (such as structural, functional, and spatial information, amino acid conservation, physicochemical variation, residue mobility, and thermodynamic stability) indicates that this missense variant is not expected to disrupt ACTN2 protein function with a negative predictive value of 80%. In summary, the available evidence is currently insufficient to determine the role of this variant in disease. Therefore, it has been classified as a Variant of Uncertain Significance.

Ambry Genetics
Classification: Uncertain significance for Cardiovascular phenotype. Last evaluated: 2024-11-13. Review status: criteria provided, single submitter. Criteria: Ambry Variant Classification Scheme 2023. Collection method: clinical testing. Allele origin: germline.
Comment: The p.T513N variant (also known as c.1538C>A), located in coding exon 14 of the ACTN2 gene, results from a C to A substitution at nucleotide position 1538. The threonine at codon 513 is replaced by asparagine, an amino acid with similar properties. This amino acid position is conserved. In addition, the in silico prediction for this alteration is inconclusive. Since supporting evidence is limited at this time, the clinical significance of this alteration remains unclear.

CeGaT Center for Human Genetics Tuebingen
Classification: Uncertain significance. Last evaluated: 2022-07-01. Review status: criteria provided, single submitter. Criteria: CeGaT Center For Human Genetics Tuebingen Variant Classification Criteria Version 2. Collection method: clinical testing. Allele origin: germline. Affected: yes. Observed: 1 variant allele.

Stanford Center for Inherited Cardiovascular Disease, Stanford University
Classification: Uncertain significance. Last evaluated: 2016-11-10. Review status: criteria provided, single submitter. Criteria: ACMG Guidelines, 2015. Collection method: provider interpretation. Allele origin: germline.